The following is an entry in ClinVar:

NM_000038.6(APC):c.2772A>C (p.Arg924Ser)

Gene: APC (APC regulator of Wnt signaling pathway; plus strand). Cytogenetic location: 5q22.2.
Variant type: single nucleotide variant.
Coding change: c.2772A>C on transcript NM_000038.6 (MANE Select); coding-DNA position 2772, A replaced by C.
Protein change: p.Arg924Ser; replaces arginine 924 with serine.
Molecular consequence: missense variant.
Genome position (GRCh38, 1-based): chr5:112,838,366, A>C. VCF-style: chr5-112838366-A-C. GRCh37 (hg19) VCF-style: chr5-112174063-A-C.
Other names: c.2772A>C, p.Arg924Ser (NM_001127510.3, NM_001354895.2); c.2718A>C, p.Arg906Ser (NM_001127511.3); c.2826A>C, p.Arg942Ser (NM_001354896.2); c.2802A>C, p.Arg934Ser (NM_001354897.2); c.2697A>C, p.Arg899Ser (NM_001354898.2); c.2688A>C, p.Arg896Ser (NM_001354899.2); c.2649A>C, p.Arg883Ser (NM_001354900.2); c.2595A>C, p.Arg865Ser (NM_001354901.2); and 5 more; short protein forms R764S, R798S, R823S, R865S, R833S, R896S, R942S, R883S.
Identifiers: ClinVar variation 1399567 (VCV001399567.10), dbSNP rs1554084440, ClinGen allele CA16027378.

ClinVar aggregate classification (germline): Uncertain significance. Review status: criteria provided, multiple submitters, no conflicts (2 of 4 stars). 2 submissions from 2 submitters: Uncertain significance (2). Last evaluated 2024-12-23.

Conditions:
Familial adenomatous polyposis 1 (FAP1). Also called: FAMILIAL ADENOMATOUS POLYPOSIS 1, ATTENUATED; POLYPOSIS, ADENOMATOUS INTESTINAL. Identifiers: MedGen C2713442, MONDO:0021056, OMIM 175100. Disease mechanism: loss of function.
Hereditary cancer-predisposing syndrome. Also called: Hereditary Cancer Syndrome; Hereditary neoplastic syndrome; Tumor predisposition; Neoplastic Syndromes, Hereditary. Identifiers: Orphanet 140162, MedGen C0027672, MeSH D009386, MONDO:0015356.

gnomAD v4.1: 5 of 1,614,202 alleles (0.00031%); highest among the groups gnomAD compares: Non-Finnish European, 0.00034%; no homozygotes.

Submissions (2):

Labcorp Genetics (formerly Invitae), Labcorp
Classification: Uncertain significance for Familial adenomatous polyposis 1. Last evaluated: 2024-12-23. Review status: criteria provided, single submitter. Criteria: Invitae Variant Classification Sherloc (09022015). Collection method: clinical testing. Allele origin: germline.
Comment: This sequence change replaces arginine, which is basic and polar, with serine, which is neutral and polar, at codon 924 of the APC protein (p.Arg924Ser). This variant is not present in population databases (gnomAD no frequency). This variant has not been reported in the literature in individuals affected with APC-related conditions. ClinVar contains an entry for this variant (Variation ID: 1399567). Invitae Evidence Modeling of protein sequence and biophysical properties (such as structural, functional, and spatial information, amino acid conservation, physicochemical variation, residue mobility, and thermodynamic stability) indicates that this missense variant is not expected to disrupt APC protein function with a negative predictive value of 95%. In summary, the available evidence is currently insufficient to determine the role of this variant in disease. Therefore, it has been classified as a Variant of Uncertain Significance.

Ambry Genetics
Classification: Uncertain significance for Hereditary cancer-predisposing syndrome. Last evaluated: 2024-10-28. Review status: criteria provided, single submitter. Criteria: Ambry Variant Classification Scheme 2023. Collection method: clinical testing. Allele origin: germline.
Comment: The p.R924S variant (also known as c.2772A>C), located in coding exon 15 of the APC gene, results from an A to C substitution at nucleotide position 2772. The arginine at codon 924 is replaced by serine, an amino acid with dissimilar properties. This amino acid position is not well conserved in available vertebrate species. In addition, in silico predictors for this gene do not accurately predict pathogenicity. Missense alterations in APC are not a common cause of disease (Spier I et al. Genet Med. 2024 Feb;26(2):100992). Based on the available evidence, the clinical significance of this variant remains unclear.